The following is an entry in ClinVar:

NM_002495.4(NDUFS4):c.248del (p.Ala83fs)

Gene: NDUFS4 (NADH:ubiquinone oxidoreductase subunit S4; plus strand). Cytogenetic location: 5q11.2.
Variant type: Deletion.
Coding change: c.248del on transcript NM_002495.4 (MANE Select); coding-DNA position 248, one base deleted (C; older notation c.248delC).
Protein change: p.Ala83fs; shifts the reading frame from alanine 83.
Molecular consequence: frameshift variant. On other transcripts: non-coding transcript variant (3).
Genome position (GRCh38, 1-based): chr5:53,646,303, C deleted. VCF-style (leftmost placement, unchanged base first): chr5-53646302-GC-G. GRCh37 (hg19) VCF-style: chr5-52942132-GC-G.
Other names: c.248del, p.Ala83fs (NM_001318051.2); short protein forms A83fs.
Identifiers: ClinVar variation 5013476 (VCV005013476.1).

ClinVar aggregate classification (germline): Pathogenic (1 of 4 stars; one submission).

Conditions:
Mitochondrial complex I deficiency, nuclear type 1. Also called: NADH-COENZYME Q REDUCTASE DEFICIENCY; MITOCHONDRIAL NADH DEHYDROGENASE COMPONENT OF COMPLEX I, DEFICIENCY OF. Identifiers: MedGen C6022305, MONDO:0100224, OMIM 252010.

Submission:

Myriad Genetics, Inc.
Classification: Pathogenic for Mitochondrial complex I deficiency, nuclear type 1. Last evaluated: 2024-08-21. Review status: criteria provided, single submitter. Criteria: Myriad Autosomal Dominant, Autosomal Recessive and X-Linked Classification Criteria (2023). Collection method: clinical testing. Allele origin: unknown.
Comment: NM_002495.2(NDUFS4):c.248delC(A83Vfs*9) is expected to be pathogenic in the context of mitochondrial complex I deficiency, NDUFS4-related. This variant is predicted to lead to an abnormal or absent protein product due to the creation of a premature termination codon in NDUFS4, a gene where loss-of-function variants are known to be pathogenic. Please note: this variant was assessed in the context of healthy population screening.